The following is an entry in ClinVar:

NM_001395413.1(POR):c.1406_1407del (p.Val469fs)

Gene: POR (cytochrome p450 oxidoreductase; plus strand). Cytogenetic location: 7q11.23.
Variant type: Microsatellite.
Coding change: c.1406_1407del on transcript NM_001395413.1 (MANE Select); coding-DNA positions 1406 to 1407, 2 bases deleted (TG; older notation c.1406_1407delTG).
Protein change: p.Val469fs; shifts the reading frame from valine 469.
Molecular consequence: frameshift variant.
Genome position (GRCh38, 1-based): chr7:75,985,595-75,985,596, TG deleted; deleting any 2 consecutive bases within chr7:75,985,593-75,985,596 gives the same sequence; the c. name uses the placement nearest the transcript's 3' end. VCF-style (leftmost placement, unchanged base first): chr7-75985592-CTG-C. GRCh37 (hg19) VCF-style: chr7-75614910-CTG-C.
Other names: c.1406_1407del, p.Val469fs (NM_001367562.3, NM_001382657.2, NM_001382658.3 and 1 more transcripts); c.1460_1461del, p.Val487fs (NM_001382655.3); c.1256_1257del, p.Val419fs (NM_001382662.3); short protein forms V419fs, V469fs, V487fs.
Identifiers: ClinVar variation 1454456 (VCV001454456.8), dbSNP rs782395275, ClinGen allele CA4304134.

ClinVar aggregate classification (germline): Pathogenic/Likely pathogenic. Review status: criteria provided, multiple submitters, no conflicts (2 of 4 stars). 2 submissions from 2 submitters: Pathogenic (1); Likely pathogenic (1). Last evaluated 2024-07-31.

Conditions:
Congenital adrenal hyperplasia due to cytochrome P450 oxidoreductase deficiency. Also called: DISORDERED STEROIDOGENESIS DUE TO POR DEFICIENCY. Identifiers: Orphanet 95699, MedGen C1860042, MONDO:0013310, OMIM 613571.
POR-related disorder. Also called: POR-related condition.

Submissions (2):

Blueprint Genetics
Classification: Likely pathogenic for POR-related disorders. Last evaluated: 2024-07-31. Review status: criteria provided, single submitter. Criteria: ACMG Guidelines, 2015. Collection method: clinical testing. Allele origin: germline. Affected: yes. Observed: 5 variant alleles.

Labcorp Genetics (formerly Invitae), Labcorp
Classification: Pathogenic for Congenital adrenal hyperplasia due to cytochrome P450 oxidoreductase deficiency. Last evaluated: 2023-10-22. Review status: criteria provided, single submitter. Criteria: Invitae Variant Classification Sherloc (09022015). Collection method: clinical testing. Allele origin: germline.
Comment: This sequence change creates a premature translational stop signal (p.Val472Alafs*102) in the POR gene. It is expected to result in an absent or disrupted protein product. Loss-of-function variants in POR are known to be pathogenic (PMID: 14758361, 20732302, 21741353). This variant is present in population databases (rs782395275, gnomAD 0.06%). This premature translational stop signal has been observed in individual(s) with cytochrome P450 oxidoreductase deficiency (PMID: 22162478). In at least one individual the data is consistent with being in trans (on the opposite chromosome) from a pathogenic variant. For these reasons, this variant has been classified as Pathogenic.

Literature cited by the submitters: PubMed 14758361 (cited by Labcorp Genetics (formerly Invitae), Labcorp); PubMed 20732302 (cited by Labcorp Genetics (formerly Invitae), Labcorp); PubMed 21741353 (cited by Labcorp Genetics (formerly Invitae), Labcorp); PubMed 22162478 (cited by Labcorp Genetics (formerly Invitae), Labcorp).